The following is an entry in ClinVar:

GRCh37/hg19 14q32.2-32.33(chr14:96829290-107287663)x1

Genes: IGHE (immunoglobulin heavy constant epsilon; minus strand), IGHG1 (immunoglobulin heavy constant gamma 1 (G1m marker); minus strand), IGHG2 (immunoglobulin heavy constant gamma 2 (G2m marker); minus strand), IGHG3 (immunoglobulin heavy constant gamma 3 (G3m marker); minus strand), NUDT14 (nudix hydrolase 14; minus strand) and 109 more. Cytogenetic location: 14q32.2-32.33.
Variant type: copy number loss.
Change: copy number 1 (one copy instead of two) of chr14:96,829,290-107,287,663 (10.46 Mb, GRCh37 coordinates, 1-based), cytogenetic band 14q32.2-32.33.
Identifiers: ClinVar variation 929832 (VCV000929832.2).

ClinVar aggregate classification (germline): Pathogenic (1 of 4 stars; one submission).

Submission:

Clinical Genomics Laboratory, Laboratory for Precision Diagnostics, University of Washington
Classification: Pathogenic. Last evaluated: 2019-12-18. Review status: criteria provided, single submitter. Criteria: Clinical Cytogenomics Laboratory Policy on CNV Interpretation. Collection method: clinical testing. Allele origin: unknown. Affected: yes. Observed: 1 variant allele.